The following is an entry in ClinVar:

ClinVar aggregate classification (germline): Uncertain significance (1 of 4 stars; one submission).

Submission:

GeneDx
Classification: Uncertain significance. Last evaluated: 2019-10-15. Review status: criteria provided, single submitter. Criteria: GeneDx Variant Classification Process June 2021. Collection method: clinical testing. Allele origin: germline. Affected: yes.
Comment: Not observed in large population cohorts (Lek et al., 2016); In silico analysis, which includes protein predictors and evolutionary conservation, supports a deleterious effect; Has not been previously published as pathogenic or benign to our knowledge

NM_001170629.2(CHD8):c.1594A>C (p.Lys532Gln)

Gene: CHD8 (chromodomain helicase DNA binding protein 8; minus strand). Cytogenetic location: 14q11.2.
Variant type: single nucleotide variant.
Coding change: c.1594A>C on transcript NM_001170629.2 (MANE Select); coding-DNA position 1594, A replaced by C.
Protein change: p.Lys532Gln; replaces lysine 532 with glutamine.
Molecular consequence: missense variant.
Genome position (GRCh38, 1-based): chr14:21,427,876, T>G on the plus strand (A>C on the coding strand, the complement: CHD8 is on the minus strand). VCF-style: chr14-21427876-T-G. GRCh37 (hg19) VCF-style: chr14-21896035-T-G.
Other names: c.757A>C, p.Lys253Gln (NM_020920.4); short protein forms K253Q, K532Q.
Identifiers: ClinVar variation 1309423 (VCV001309423.2), dbSNP rs1555317983, ClinGen allele CA388882388.